The following is an entry in ClinVar:

NM_001853.4(COL9A3):c.1150C>T (p.Arg384Trp)

Gene: COL9A3 (collagen type IX alpha 3 chain; plus strand). Cytogenetic location: 20q13.33.
Variant type: single nucleotide variant.
Coding change: c.1150C>T on transcript NM_001853.4 (MANE Select); coding-DNA position 1150, C replaced by T.
Protein change: p.Arg384Trp; replaces arginine 384 with tryptophan.
Molecular consequence: missense variant.
Genome position (GRCh38, 1-based): chr20:62,829,808, C>T. VCF-style: chr20-62829808-C-T. GRCh37 (hg19) VCF-style: chr20-61461160-C-T.
Other names: short protein forms R384W.
Identifiers: ClinVar variation 1172686 (VCV001172686.15), dbSNP rs112769858, ClinGen allele CA9949781.

ClinVar aggregate classification (germline): Uncertain significance. Review status: criteria provided, multiple submitters, no conflicts (2 of 4 stars). 5 submissions from 5 submitters: Uncertain significance (5). Last evaluated 2026-01-05.

Conditions:
COL9A3-related disorder. Also called: COL9A3-related condition.
Inborn genetic diseases. Identifiers: MedGen C0950123, MeSH D030342.
Intervertebral disc disorder (IDD). Also called: Lumbar disk degenerative disorder; INTERVERTEBRAL DISC DISEASE. Identifiers: MedGen C0158252, MONDO:0044339, OMIM 603932.
Epiphyseal dysplasia, multiple, 3 (EDM3). Also called: COL9A3-Related Multiple Epiphyseal Dysplasia; Epiphyseal dysplasia, multiple, 3, with or without myopathy. Identifiers: MedGen C1832998, MONDO:0010964, OMIM 600969.
Stickler syndrome, type 6. Also called: Stickler syndrome, type VI; Stickler syndrome, IIa 6. Identifiers: MedGen C5774207, MONDO:0031047, OMIM 620022.

Allele frequency attached by ClinVar (database versions not stated): gnomAD exomes 0.00002 and 0.00004; ExAC 0.00003; gnomAD 0.00003 and 0.00004; TOPMed 0.00004.
gnomAD v4.1: 26 of 1,572,106 alleles (0.0017%); highest among the groups gnomAD compares: Admixed American, 0.015%; no homozygotes.

Submissions (5):

Labcorp Genetics (formerly Invitae), Labcorp
Classification: Uncertain significance. Last evaluated: 2026-01-05. Review status: criteria provided, single submitter. Criteria: Invitae Variant Classification Sherloc (09022015). Collection method: clinical testing. Allele origin: germline.
Comment: This sequence change replaces arginine, which is basic and polar, with tryptophan, which is neutral and slightly polar, at codon 384 of the COL9A3 protein (p.Arg384Trp). The frequency data for this variant in the population databases is considered unreliable, as metrics indicate poor data quality at this position in the gnomAD database. This missense change has been observed in individual(s) with lumbar disc herniation (PMID: 38166944). ClinVar contains an entry for this variant (Variation ID: 1172686). Invitae Evidence Modeling of protein sequence and biophysical properties (such as structural, functional, and spatial information, amino acid conservation, physicochemical variation, residue mobility, and thermodynamic stability) indicates that this missense variant is not expected to disrupt COL9A3 protein function with a negative predictive value of 95%. In summary, the available evidence is currently insufficient to determine the role of this variant in disease. Therefore, it has been classified as a Variant of Uncertain Significance.

Ambry Genetics
Classification: Uncertain significance for Inborn genetic diseases. Last evaluated: 2025-05-23. Review status: criteria provided, single submitter. Criteria: Ambry Variant Classification Scheme 2023. Collection method: clinical testing. Allele origin: germline.

PreventionGenetics, part of Exact Sciences
Classification: Uncertain significance for COL9A3-related condition. Last evaluated: 2025-04-29. Review status: criteria provided, single submitter. Criteria: ACMG Guidelines, 2015. Collection method: clinical testing. Allele origin: germline.
Comment: The COL9A3 c.1150C>T variant is predicted to result in the amino acid substitution p.Arg384Trp. This variant in the heterozygous state has been reported in three individuals from one family with multiple lumbar disc herniation (Jiang et al. 2024. PubMed ID: 38166944). This variant is reported in 0.025% of alleles in individuals of Latino descent in gnomAD. Although we suspect that this variant may be benign, at this time, the clinical significance of this variant is uncertain due to the absence of conclusive functional and genetic evidence.

GeneDx
Classification: Uncertain significance. Last evaluated: 2020-10-23. Review status: criteria provided, single submitter. Criteria: GeneDx Variant Classification (06012015). Collection method: clinical testing. Allele origin: germline. Affected: yes.
Comment: Has not been previously published as pathogenic or benign to our knowledge In silico analysis, which includes protein predictors and evolutionary conservation, supports a deleterious effect

Juno Genomics, Hangzhou Juno Genomics, Inc
Classification: Uncertain significance for Intervertebral disc disorder; Epiphyseal dysplasia, multiple, 3; Stickler syndrome, type 6. Review status: criteria provided, single submitter. Criteria: ACMG Guidelines, 2015. Collection method: clinical testing. Allele origin: germline. Affected: yes.
Comment: Absent from controls (or at extremely low frequency if recessive) in Genome Aggregation Database, Exome Sequencing Project, 1000 Genomes Project, or Exome Aggregation Consortium.;Multiple lines of computational evidence support a deleterious effect on the gene or gene product (conservation, evolutionary, splicing impact, etc).

Literature cited by the submitters: PubMed 38166944 (cited by Labcorp Genetics (formerly Invitae), Labcorp).